The following is an entry in ClinVar:

NM_001194.4(HCN2):c.1873G>A (p.Asp625Asn)

Gene: HCN2 (hyperpolarization activated cyclic nucleotide gated potassium and sodium channel 2; plus strand). Cytogenetic location: 19p13.3.
Variant type: single nucleotide variant.
Coding change: c.1873G>A on transcript NM_001194.4 (MANE Select); coding-DNA position 1873, G replaced by A.
Protein change: p.Asp625Asn; replaces aspartic acid 625 with asparagine.
Molecular consequence: missense variant.
Genome position (GRCh38, 1-based): chr19:613,899, G>A. VCF-style: chr19-613899-G-A. GRCh37 (hg19) VCF-style: chr19-613899-G-A.
Other names: short protein forms D625N.
Identifiers: ClinVar variation 4033968 (VCV004033968.5).

ClinVar aggregate classification (germline): Uncertain significance. Review status: criteria provided, multiple submitters, no conflicts (2 of 4 stars). 2 submissions from 2 submitters: Uncertain significance (2). Last evaluated 2026-02-01.

Conditions:
Inborn genetic diseases. Identifiers: MedGen C0950123, MeSH D030342.

gnomAD v4.1: 2 of 1,601,194 alleles (0.00012%); highest among the groups gnomAD compares: Non-Finnish European, 0.00017%; no homozygotes.

Submissions (2):

CeGaT Center for Human Genetics Tuebingen
Classification: Uncertain significance. Last evaluated: 2026-02-01. Review status: criteria provided, single submitter. Criteria: CeGaT Center For Human Genetics Tuebingen Variant Classification Criteria Version 2. Collection method: clinical testing. Allele origin: germline. Affected: yes. Observed: 1 variant allele.
Comment: HCN2: PP3

Ambry Genetics
Classification: Uncertain significance for Inborn genetic diseases. Last evaluated: 2025-04-01. Review status: criteria provided, single submitter. Criteria: Ambry Variant Classification Scheme 2023. Collection method: clinical testing. Allele origin: germline.